The following is an entry in ClinVar:

NM_005902.4(SMAD3):c.278G>C (p.Arg93Pro)

Gene: SMAD3 (SMAD family member 3; plus strand). Cytogenetic location: 15q22.33.
Variant type: single nucleotide variant.
Coding change: c.278G>C on transcript NM_005902.4 (MANE Select); coding-DNA position 278, G replaced by C.
Protein change: p.Arg93Pro; replaces arginine 93 with proline.
Molecular consequence: missense variant. On other transcripts: 5 prime UTR variant (3).
Genome position (GRCh38, 1-based): chr15:67,164,966, G>C. VCF-style: chr15-67164966-G-C. GRCh37 (hg19) VCF-style: chr15-67457304-G-C.
Other names: c.-38G>C (NM_001145102.2, NM_001407015.1, NM_001407016.1); c.146G>C, p.Arg49Pro (NM_001145103.2); c.278G>C, p.Arg93Pro (NM_001407011.1, NM_001407012.1, NM_001407013.1); c.131G>C, p.Arg44Pro (NM_001407014.1); short protein forms R49P, R93P, R44P.
Identifiers: ClinVar variation 3645371 (VCV003645371.2).

ClinVar aggregate classification (germline): Uncertain significance (1 of 4 stars; one submission).

Conditions:
Familial thoracic aortic aneurysm and aortic dissection (TAAD). Also called: Thoracic aortic aneurysms and dissections. Identifiers: Orphanet 91387, MedGen C4707243, MONDO:0019625.

Submission:

Labcorp Genetics (formerly Invitae), Labcorp
Classification: Uncertain significance for Familial thoracic aortic aneurysm and aortic dissection. Last evaluated: 2024-09-29. Review status: criteria provided, single submitter. Criteria: Invitae Variant Classification Sherloc (09022015). Collection method: clinical testing. Allele origin: germline.
Comment: This sequence change replaces arginine, which is basic and polar, with proline, which is neutral and non-polar, at codon 93 of the SMAD3 protein (p.Arg93Pro). This variant is not present in population databases (gnomAD no frequency). This missense change has been observed in individual(s) with clinical features of SMAD3-related conditions (internal data). Invitae Evidence Modeling of protein sequence and biophysical properties (such as structural, functional, and spatial information, amino acid conservation, physicochemical variation, residue mobility, and thermodynamic stability) indicates that this missense variant is expected to disrupt SMAD3 protein function with a positive predictive value of 80%. This variant disrupts the p.Arg93 amino acid residue in SMAD3. Other variant(s) that disrupt this residue have been determined to be pathogenic (PMID: 29543232). This suggests that this residue is clinically significant, and that variants that disrupt this residue are likely to be disease-causing. In summary, the available evidence is currently insufficient to determine the role of this variant in disease. Therefore, it has been classified as a Variant of Uncertain Significance.

Literature cited by the submitters: PubMed 29543232.